The following is an entry in ClinVar:

NC_000003.12:g.(?_38925395)_(38925529_?)del

Gene: SCN11A (sodium voltage-gated channel alpha subunit 11; minus strand). Cytogenetic location: 3p22.2.
Variant type: Deletion.
Identifiers: ClinVar variation 652396 (VCV000652396.6).

ClinVar aggregate classification (germline): Uncertain significance (1 of 4 stars; one submission).

Conditions:
Hereditary sensory and autonomic neuropathy type 7. Also called: Neuropathy, hereditary sensory and autonomic, type VII; HSAN VII. Identifiers: Orphanet 391397, MedGen C3809882, MONDO:0014244, OMIM 615548.
Familial episodic pain syndrome with predominantly lower limb involvement. Also called: Episodic pain syndrome, familial, 3. Identifiers: Orphanet 391384, Orphanet 391392, MedGen C3809899, MONDO:0014247, OMIM 615552.

Submission:

Labcorp Genetics (formerly Invitae), Labcorp
Classification: Uncertain significance for Familial episodic pain syndrome with predominantly lower limb involvement; Hereditary sensory and autonomic neuropathy type 7. Last evaluated: 2018-08-06. Review status: criteria provided, single submitter. Criteria: Invitae Variant Classification Sherloc (09022015). Collection method: clinical testing. Allele origin: germline.
Comment: This variant is an out-of-frame deletion of the genomic region encompassing exon 5 of the SCN11A gene. This is expected to create a premature translational stop signal and result in an absent or disrupted protein product. This variant has not been reported in the literature in individuals with SCN11A-related disease. The current clinical and genetic evidence is not sufficient to establish whether loss-of-function variants in SCN11A cause disease. In summary, the available evidence is currently insufficient to determine the role of this variant in disease. Therefore, it has been classified as a Variant of Uncertain Significance.